The following is an entry in ClinVar:

ClinVar aggregate classification (germline): Uncertain significance (1 of 4 stars; one submission).

gnomAD v4.1: 31 of 1,613,828 alleles (0.0019%); highest among the groups gnomAD compares: Non-Finnish European, 0.0024%; no homozygotes.

Submission:

Labcorp Genetics (formerly Invitae), Labcorp
Classification: Uncertain significance. Last evaluated: 2025-08-11. Review status: criteria provided, single submitter. Criteria: Invitae Variant Classification Sherloc (09022015). Collection method: clinical testing. Allele origin: germline.
Comment: This sequence change replaces histidine, which is basic and polar, with tyrosine, which is neutral and polar, at codon 419 of the PCK2 protein (p.His419Tyr). This variant is present in population databases (rs775809596, gnomAD 0.006%). This variant has not been reported in the literature in individuals affected with PCK2-related conditions. Invitae Evidence Modeling of protein sequence and biophysical properties (such as structural, functional, and spatial information, amino acid conservation, physicochemical variation, residue mobility, and thermodynamic stability) indicates that this missense variant is expected to disrupt PCK2 protein function with a positive predictive value of 80%. In summary, the available evidence is currently insufficient to determine the role of this variant in disease. Therefore, it has been classified as a Variant of Uncertain Significance.

NM_004563.4(PCK2):c.1255C>T (p.His419Tyr)

Genes: NRL (neural retina leucine zipper; minus strand), PCK2 (phosphoenolpyruvate carboxykinase 2, mitochondrial; plus strand). Cytogenetic location: 14q12.
Variant type: single nucleotide variant.
Coding change: c.1255C>T on transcript NM_004563.4 (MANE Select); coding-DNA position 1255, C replaced by T.
Protein change: p.His419Tyr; replaces histidine 419 with tyrosine.
Molecular consequence: missense variant. On other transcripts: intron variant (3).
Genome position (GRCh38, 1-based): chr14:24,102,773, C>T. VCF-style: chr14-24102773-C-T. GRCh37 (hg19) VCF-style: chr14-24571982-C-T.
Other names: c.853C>T, p.His285Tyr (NM_001291556.2, NM_001308054.2); c.-28+11949G>A (NM_001354768.3, NM_001354770.2); c.-254+11949G>A (NM_006177.5); short protein forms H285Y, H419Y.
Identifiers: ClinVar variation 4707007 (VCV004707007.1).
Genomic context (GRCh38, chr14:24,102,773, plus strand): 5'-ATGACCTTGGAAATAATAGTGTTTGTATTTCCTCTGCCAGGTGACAAGGAGCCCTGTGCA[C>T]ATCCCAACTCTCGATTTTGTGCCCCGGCTCGCCAGTGCCCCATCATGGACCCAGCCTGGG-3'
Protein context (NP_004554.3, residues 409-429): WKPGDKEPCA[His419Tyr]PNSRFCAPAR